The following is an entry in ClinVar:

ClinVar aggregate classification (germline): Uncertain significance (1 of 4 stars; one submission).

Allele frequency attached by ClinVar (database versions not stated): gnomAD exomes below 0.00001; ExAC 0.00001.
gnomAD v4.1: 1 of 1,613,452 alleles (0.000062%); highest among the groups gnomAD compares: South Asian, 0.0011%; no homozygotes.

Submission:

Labcorp Genetics (formerly Invitae), Labcorp
Classification: Uncertain significance. Last evaluated: 2023-04-12. Review status: criteria provided, single submitter. Criteria: Invitae Variant Classification Sherloc (09022015). Collection method: clinical testing. Allele origin: germline.
Comment: This sequence change replaces valine, which is neutral and non-polar, with methionine, which is neutral and non-polar, at codon 615 of the GRHL2 protein (p.Val615Met). This variant is present in population databases (rs756893302, gnomAD 0.003%). This variant has not been reported in the literature in individuals affected with GRHL2-related conditions. Advanced modeling of protein sequence and biophysical properties (such as structural, functional, and spatial information, amino acid conservation, physicochemical variation, residue mobility, and thermodynamic stability) performed at Invitae indicates that this missense variant is not expected to disrupt GRHL2 protein function. In summary, the available evidence is currently insufficient to determine the role of this variant in disease. Therefore, it has been classified as a Variant of Uncertain Significance.

NM_024915.4(GRHL2):c.1843G>A (p.Val615Met)

Gene: GRHL2 (grainyhead like transcription factor 2; plus strand). Cytogenetic location: 8q22.3.
Variant type: single nucleotide variant.
Coding change: c.1843G>A on transcript NM_024915.4 (MANE Select); coding-DNA position 1843, G replaced by A.
Protein change: p.Val615Met; replaces valine 615 with methionine.
Molecular consequence: missense variant.
Genome position (GRCh38, 1-based): chr8:101,666,668, G>A. VCF-style: chr8-101666668-G-A. GRCh37 (hg19) VCF-style: chr8-102678896-G-A.
Other names: c.1795G>A, p.Val599Met (NM_001330593.2); short protein forms V599M, V615M.
Identifiers: ClinVar variation 2855766 (VCV002855766.3), dbSNP rs756893302, ClinGen allele CA4830742.